The following is an entry in ClinVar:

ClinVar aggregate classification (germline): Likely pathogenic (1 of 4 stars; one submission).

Conditions:
Dilated cardiomyopathy 1G (CMD1G). Identifiers: Orphanet 154, MedGen C1858763, MONDO:0011400, OMIM 604145.
Autosomal recessive limb-girdle muscular dystrophy type 2J (LGMDR10). Also called: MUSCULAR DYSTROPHY, LIMB-GIRDLE, AUTOSOMAL RECESSIVE 10; Limb-girdle muscular dystrophy, type 2J. Identifiers: Orphanet 140922, MedGen C1837342, MONDO:0012127, OMIM 608807.

Submission:

Labcorp Genetics (formerly Invitae), Labcorp
Classification: Likely pathogenic for Dilated cardiomyopathy 1G; Autosomal recessive limb-girdle muscular dystrophy type 2J. Last evaluated: 2024-07-12. Review status: criteria provided, single submitter. Criteria: Invitae Variant Classification Sherloc (09022015). Collection method: clinical testing. Allele origin: germline.
Comment: This sequence change creates a premature translational stop signal (p.Trp28963*) in the TTN gene. While this is not anticipated to result in nonsense mediated decay, it is expected to create a truncated TTN protein. This variant is not present in population databases (gnomAD no frequency). This variant has not been reported in the literature in individuals affected with TTN-related conditions. ClinVar contains an entry for this variant (Variation ID: 863974). This variant is located in the A band of TTN (PMID: 25589632). Truncating variants in this region are significantly overrepresented in patients affected with dilated cardiomyopathy (PMID: 25589632). Truncating variants in this region have also been reported in individuals affected with autosomal recessive centronuclear myopathy (PMID: 23975875). In summary, the currently available evidence indicates that the variant is pathogenic, but additional data are needed to prove that conclusively. Therefore, this variant has been classified as Likely Pathogenic.

Literature cited by the submitters: PubMed 25589632; PubMed 23975875.

NM_001267550.2(TTN):c.86889G>A (p.Trp28963Ter)

Genes: TTN (titin; minus strand), TTN-AS1 (TTN antisense RNA 1; plus strand). Cytogenetic location: 2q31.2.
Variant type: single nucleotide variant.
Coding change: c.86889G>A on transcript NM_001267550.2 (MANE Select); coding-DNA position 86889, G replaced by A.
Protein change: p.Trp28963Ter; replaces tryptophan 28963 with a stop codon.
Molecular consequence: nonsense.
Genome position (GRCh38, 1-based): chr2:178,558,570, C>T on the plus strand (G>A on the coding strand, the complement: TTN is on the minus strand). VCF-style: chr2-178558570-C-T. GRCh37 (hg19) VCF-style: chr2-179423297-C-T.
Other names: c.81966G>A, p.Trp27322Ter (NM_001256850.1); c.59694G>A, p.Trp19898Ter (NM_003319.4); c.79185G>A, p.Trp26395Ter (NM_133378.4); c.60069G>A, p.Trp20023Ter (NM_133432.3); c.60270G>A, p.Trp20090Ter (NM_133437.4); short protein forms W20023*, W26395*, W19898*, W27322*, W28963*, W20090*.
Identifiers: ClinVar variation 863974 (VCV000863974.12), dbSNP rs1702376984, ClinGen allele CA349540667.